The following is an entry in ClinVar:

NM_000053.4(ATP7B):c.2621C>T (p.Ala874Val)

Gene: ATP7B (ATPase copper transporting beta; minus strand). Cytogenetic location: 13q14.3.
Variant type: single nucleotide variant.
Coding change: c.2621C>T on transcript NM_000053.4 (MANE Select); coding-DNA position 2621, C replaced by T.
Protein change: p.Ala874Val; replaces alanine 874 with valine.
Molecular consequence: missense variant.
Genome position (GRCh38, 1-based): chr13:51,950,116, G>A on the plus strand (C>T on the coding strand, the complement: ATP7B is on the minus strand). VCF-style: chr13-51950116-G-A. GRCh37 (hg19) VCF-style: chr13-52524252-G-A.
Other names: c.2135C>T, p.Ala712Val (NM_001005918.3); c.2288C>T, p.Ala763Val (NM_001243182.2); c.2387C>T, p.Ala796Val (NM_001330578.2); c.2369C>T, p.Ala790Val (NM_001330579.2); short protein forms A874V, A712V, A763V, A790V, A796V.
Identifiers: ClinVar variation 3851 (VCV000003851.83), dbSNP rs121907994, ClinGen allele CA252892.
Genomic context (GRCh38, chr13:51,950,116, plus strand): 5'-GTGTCATTGCCCACGTGGGTAGCTTTAATGAGCACAGAGCCATGTGCATTTATAGACCCC[G>A]CAATTACAGTGCTTCCGGGTTTCTTAGTGACTGGCATGGCTTCTCCTAGACGTAGGAAAG-3'
Protein context (NP_000044.2, residues 864-884): VTKKPGSTVI[Ala874Val]GSINAHGSVL

ClinVar aggregate classification (germline): Conflicting classifications of pathogenicity. Review status: criteria provided, conflicting classifications (1 of 4 stars). 27 submissions from 27 submitters: Pathogenic (18); Likely pathogenic (4); Uncertain significance (1). 4 of the submissions do not count toward it. Last evaluated 2026-03-27.

Conditions:
ATP7B-related disorder. Also called: ATP7B-related condition.
Wilson disease (WND). Also called: Wilson's disease. Identifiers: Orphanet 905, MedGen C0019202, MONDO:0010200, OMIM 277900. Disease mechanism: loss of function.

Allele frequency attached by ClinVar (database versions not stated): gnomAD exomes 0.00006 and 0.00007; gnomAD 0.00001; TOPMed 0.00004; ExAC 0.00007.
gnomAD v4.1: 87 of 1,614,060 alleles (0.0054%); highest among the groups gnomAD compares: East Asian, 0.074%; no homozygotes.

Submissions 1 to 12 of 27:

Center for Human Genetics and Genomic Medicine, Uniklinik Rwth Aachen
Classification: Pathogenic for Wilson disease. Last evaluated: 2026-03-27. Review status: criteria provided, single submitter. Criteria: ACMG Guidelines, 2015. Collection method: clinical testing. Allele origin: paternal. Affected: yes.

Labcorp Genetics (formerly Invitae), Labcorp
Classification: Pathogenic for Wilson disease. Last evaluated: 2026-01-14. Review status: criteria provided, single submitter. Criteria: Invitae Variant Classification Sherloc (09022015). Collection method: clinical testing. Allele origin: germline.
Comment: This sequence change replaces alanine, which is neutral and non-polar, with valine, which is neutral and non-polar, at codon 874 of the ATP7B protein (p.Ala874Val). This variant is present in population databases (rs121907994, gnomAD 0.05%). This missense change has been observed in individuals with Wilson disease, with evidence of co-segregation with disease (PMID: 10544227, 10721669, 11775208, 12376745, 12544487, 16998622, 18156766, 21707886, 22735241). It has also been observed to segregate with disease in related individuals. ClinVar contains an entry for this variant (Variation ID: 3851). Invitae Evidence Modeling of protein sequence and biophysical properties (such as structural, functional, and spatial information, amino acid conservation, physicochemical variation, residue mobility, and thermodynamic stability) has been performed for this missense variant. However, the output from this modeling did not meet the statistical confidence thresholds required to predict the impact of this variant on ATP7B protein function. Experimental studies have shown that this missense change affects ATP7B function (PMID: 22240481, 22692182). For these reasons, this variant has been classified as Pathogenic.

Natera, Inc.
Classification: Pathogenic for Wilson disease. Last evaluated: 2025-07-29. Review status: criteria provided, single submitter. Criteria: Natera Variant Classification Schema (03/2026). Collection method: clinical testing. Allele origin: germline.
Comment: The c.2621C>T variant in ATP7B is a missense variant predicted to cause substitution of alanine to valine at amino acid 874. This variant is rare in the general population with a frequency below the threshold expected for the associated phenotype(s). This variant has been observed in one or more individuals affected with the associated recessive disease, as either homozygous or compound heterozygous with a second variant (PMID: 23333878, 29381936, 12376745). Additionally, this variant has been observed to segregate in affected family members (PMID: 29381936, 12376745). This variant has been found together with another disease-causing variant in the same copy of the gene (PMID: 23235335). Functional studies show that this variant may disrupt protein function (PMID: 35762218, 22692182). Computational prediction algorithms indicate this variant is likely to affect gene or protein function. Given the available evidence, this variant is classified as Pathogenic.

3billion
Classification: Pathogenic for Wilson disease. Last evaluated: 2025-03-17. Review status: criteria provided, single submitter. Criteria: ACMG Guidelines, 2015. Collection method: clinical testing. Allele origin: germline. Affected: yes.
Comment: The variant is observed at an extremely low frequency in the gnomAD v4.1.0 dataset (total allele frequency: <0.001%). Predicted Consequence/Location:Frameshift: predicted to result in a loss or disruption of normal protein function through nonsense-mediated decay (NMD) or protein truncation. Multiple pathogenic variants are reported downstream of the variant. The variant has been previously reported as de novo in a similarly affected individual (PMID: 32652122). The variant has been reported at least twice as pathogenic with clinical assertions and evidence for the classification (ClinVar ID: VCV000810669 / PMID: 32652122).Therefore, this variant is classified as Pathogenic according to the recommendation of ACMG/AMP guideline.

Lildballe Lab, Aarhus University Hospital
Classification: Likely pathogenic for Wilson disease. Last evaluated: 2024-08-29. Review status: criteria provided, single submitter. Criteria: ACMG Guidelines, 2015. Collection method: clinical testing. Allele origin: germline. Affected: yes.
Comment: PM1, PM2, PM5,PP3

All of Us Research Program, National Institutes of Health
Classification: Pathogenic for Wilson disease. Last evaluated: 2024-07-29. Review status: criteria provided, single submitter. Criteria: ACMG Guidelines, 2015. Collection method: clinical testing. Allele origin: germline. Inheritance: Autosomal recessive inheritance. Observed: 7 variant alleles, 7 heterozygotes.
Comment: This missense variant replaces alanine with valine at codon 874 in the actuator domain of the ATP7B protein. Computational prediction suggests that this variant may have deleterious impact on protein structure and function (internally defined REVEL score threshold >= 0.7, PMID: 27666373). Functional studies have shown that this variant causes reduced protein expression, abnormal subcellular localization, and loss of copper transport activity (PMID: 22240481, 22692182). This variant has been reported in individuals affected with Wilson disease (PMID: 10544227, 10721669, 11043508, 12376745, 12544487, 16998622, 18156766, 21645214, 21707886, 22735241, 26269689, 25988284, 27022412, 27398169, 28212618, 29381936, 30702195, 31980526, 33763395). In many of these individuals, this variant was reported in the compound heterozygous state (PMID: 12376745, 21645214, 28212618, 29381936, 30702195, 31743419, 33763395) or homozygous state (PMID: 10721669, 18156766, 21645214, 22735241, 30702195). This variant has been identified in 17/249574 chromosomes in the general population by the Genome Aggregation Database (gnomAD). Based on the available evidence, this variant is classified as Pathogenic.

This study involves interpretation of variants in research participants for the purpose of population health screening. Participant phenotype was not available at the time of variant classification. Additional details can be found in publication PMID: 35346344, PMCID: PMC8962531

Color Diagnostics, LLC DBA Color Health
Classification: Pathogenic for Wilson disease. Last evaluated: 2024-07-10. Review status: criteria provided, single submitter. Criteria: ACMG Guidelines, 2015. Collection method: clinical testing. Allele origin: germline.
Comment: This missense variant replaces alanine with valine at codon 874 in the actuator domain of the ATP7B protein. Computational prediction suggests that this variant may have deleterious impact on protein structure and function. Functional studies have shown that this variant causes reduced protein expression, abnormal subcellular localization, and loss of copper transport activity (PMID: 22240481, 22692182). This variant has been reported in individuals affected with Wilson disease (PMID: 10544227, 10721669, 11043508, 12376745, 12544487, 16998622, 18156766, 21645214, 21707886, 22735241, 26269689, 25988284, 27022412, 27398169, 28212618, 29381936, 30702195, 31980526, 33763395). In many of these individuals, this variant was reported in the compound heterozygous state (PMID: 12376745, 21645214, 28212618, 29381936, 30702195, 31743419, 33763395) or homozygous state (PMID: 10721669, 18156766, 21645214, 22735241, 30702195). This variant has been identified in 17/249574 chromosomes in the general population by the Genome Aggregation Database (gnomAD). Based on the available evidence, this variant is classified as Pathogenic.

Mayo Clinic Laboratories, Mayo Clinic
Classification: Pathogenic. Last evaluated: 2024-05-21. Review status: criteria provided, single submitter. Criteria: ACMG Guidelines, 2015. Collection method: clinical testing. Allele origin: germline.
Comment: PP3, PP4, PM2, PM3, PS4

Blueprint Genetics
Classification: Pathogenic for ATP7B-related disorders. Last evaluated: 2024-05-06. Review status: criteria provided, single submitter. Criteria: ACMG Guidelines, 2015. Collection method: clinical testing. Allele origin: germline. Affected: yes. Observed: 3 variant alleles.

Genomic Medicine Center of Excellence, King Faisal Specialist Hospital and Research Centre
Classification: Likely pathogenic for Wilson disease. Last evaluated: 2024-04-04. Review status: criteria provided, single submitter. Criteria: ACMG Guidelines, 2015. Collection method: clinical testing. Allele origin: germline.

Baylor Genetics
Classification: Pathogenic for Wilson disease. Last evaluated: 2024-03-30. Review status: criteria provided, single submitter. Criteria: ACMG Guidelines, 2015. Collection method: clinical testing. Allele origin: unknown.

Fulgent Genetics
Classification: Pathogenic for Wilson disease. Last evaluated: 2024-02-12. Review status: criteria provided, single submitter. Criteria: ACMG Guidelines, 2015. Collection method: clinical testing. Allele origin: germline.